The following is an entry in ClinVar:

NM_001278293.3(ARL6):c.66C>A (p.Cys22Ter)

Gene: ARL6 (ARF like GTPase 6; plus strand). Cytogenetic location: 3q11.2.
Variant type: single nucleotide variant.
Coding change: c.66C>A on transcript NM_001278293.3 (MANE Select); coding-DNA position 66, C replaced by A.
Protein change: p.Cys22Ter; replaces cysteine 22 with a stop codon.
Molecular consequence: nonsense. On other transcripts: non-coding transcript variant (7).
Genome position (GRCh38, 1-based): chr3:97,768,173, C>A. VCF-style: chr3-97768173-C-A. GRCh37 (hg19) VCF-style: chr3-97487017-C-A.
Other names: c.66C>A, p.Cys22Ter (NM_177976.3, NM_001323513.2, NM_001323514.2 and 1 more transcripts); short protein forms C22*.
Identifiers: ClinVar variation 2950730 (VCV002950730.3), dbSNP rs2529766743, ClinGen allele CA353582374.

ClinVar aggregate classification (germline): Pathogenic (1 of 4 stars; one submission).

Conditions:
Bardet-Biedl syndrome 3 (BBS3). Identifiers: Orphanet 110, MedGen C1859564, MONDO:0010832, OMIM 600151.
Retinitis pigmentosa 55 (RP55). Identifiers: Orphanet 791, MedGen C3150808, MONDO:0013312, OMIM 613575.

Submission:

Labcorp Genetics (formerly Invitae), Labcorp
Classification: Pathogenic for Retinitis pigmentosa 55; Bardet-Biedl syndrome 3. Last evaluated: 2023-08-06. Review status: criteria provided, single submitter. Criteria: Invitae Variant Classification Sherloc (09022015). Collection method: clinical testing. Allele origin: germline.
Comment: For these reasons, this variant has been classified as Pathogenic. This variant has not been reported in the literature in individuals affected with ARL6-related conditions. This variant is not present in population databases (gnomAD no frequency). This sequence change creates a premature translational stop signal (p.Cys22*) in the ARL6 gene. It is expected to result in an absent or disrupted protein product. Loss-of-function variants in ARL6 are known to be pathogenic (PMID: 15258860, 19858128, 20142850, 22334370, 27486776, 31736247).

Literature cited by the submitters: PubMed 15258860; PubMed 19858128; PubMed 20142850; PubMed 22334370; PubMed 27486776; PubMed 31736247.